The following is an entry in ClinVar:

NM_006268.5(DPF2):c.857C>T (p.Thr286Met)

Gene: DPF2 (double PHD fingers 2; plus strand). Cytogenetic location: 11q13.1.
Variant type: single nucleotide variant.
Coding change: c.857C>T on transcript NM_006268.5 (MANE Select); coding-DNA position 857, C replaced by T.
Protein change: p.Thr286Met; replaces threonine 286 with methionine.
Molecular consequence: missense variant.
Genome position (GRCh38, 1-based): chr11:65,346,011, C>T. VCF-style: chr11-65346011-C-T. GRCh37 (hg19) VCF-style: chr11-65113482-C-T.
Other names: c.899C>T, p.Thr300Met (NM_001330308.2); short protein forms T286M, T300M.
Identifiers: ClinVar variation 1960369 (VCV001960369.5), dbSNP rs1194823894, ClinGen allele CA381254347.

ClinVar aggregate classification (germline): Uncertain significance (1 of 4 stars; one submission).

Allele frequency attached by ClinVar (database versions not stated): gnomAD exomes below 0.00001.
gnomAD v4.1: 1 of 1,614,180 alleles (0.000062%); no homozygotes.

Submission:

Labcorp Genetics (formerly Invitae), Labcorp
Classification: Uncertain significance. Last evaluated: 2023-07-03. Review status: criteria provided, single submitter. Criteria: Invitae Variant Classification Sherloc (09022015). Collection method: clinical testing. Allele origin: germline.
Comment: In summary, the available evidence is currently insufficient to determine the role of this variant in disease. Therefore, it has been classified as a Variant of Uncertain Significance. An algorithm developed to predict the effect of missense changes on protein structure and function (PolyPhen-2) suggests that this variant is likely to be tolerated. ClinVar contains an entry for this variant (Variation ID: 1960369). This variant has not been reported in the literature in individuals affected with DPF2-related conditions. This variant is present in population databases (no rsID available, gnomAD 0.004%). This sequence change replaces threonine, which is neutral and polar, with methionine, which is neutral and non-polar, at codon 300 of the DPF2 protein (p.Thr300Met).